The following is an entry in ClinVar:

NM_001174147.2(LMX1B):c.1132G>A (p.Val378Met)

Gene: LMX1B (LIM homeobox transcription factor 1 beta; plus strand). Cytogenetic location: 9q33.3.
Variant type: single nucleotide variant.
Coding change: c.1132G>A on transcript NM_001174147.2 (MANE Select); coding-DNA position 1132, G replaced by A.
Protein change: p.Val378Met; replaces valine 378 with methionine.
Molecular consequence: missense variant.
Genome position (GRCh38, 1-based): chr9:126,696,374, G>A. VCF-style: chr9-126696374-G-A. GRCh37 (hg19) VCF-style: chr9-129458653-G-A.
Other names: c.1144G>A, p.Val382Met (NM_001174146.2); c.1111G>A, p.Val371Met (NM_002316.4); short protein forms V371M, V378M, V382M.
Identifiers: ClinVar variation 1919449 (VCV001919449.6), dbSNP rs375881049, ClinGen allele CA5242569.

ClinVar aggregate classification (germline): Uncertain significance. Review status: criteria provided, multiple submitters, no conflicts (2 of 4 stars). 2 submissions from 2 submitters: Uncertain significance (2). Last evaluated 2025-01-01.

Conditions:
Nail-patella syndrome (NPS). Also called: FONG DISEASE; ONYCHOOSTEODYSPLASIA; TURNER-KIESER SYNDROME. Identifiers: Orphanet 2614, MedGen C0027341, MONDO:0008061, OMIM 161200.
Nail-patella-like renal disease. Also called: Focal Segmental Glomerulosclerosis 10; GLOMERULAR BASEMENT MEMBRANE DISEASE, NAIL-PATELLA SYNDROME TYPE. Identifiers: Orphanet 2613, MedGen C0403548, MONDO:0009724, OMIM 256020.

Allele frequency attached by ClinVar (database versions not stated): ExAC 0.00002; gnomAD 0.00002; gnomAD exomes 0.00002; TOPMed 0.00002; ESP Exome Variant Server 0.00015.
gnomAD v4.1: 31 of 1,613,950 alleles (0.0019%); highest among the groups gnomAD compares: African/African-American, 0.0067%; no homozygotes.

Submissions (2):

Labcorp Genetics (formerly Invitae), Labcorp
Classification: Uncertain significance. Last evaluated: 2025-01-01. Review status: criteria provided, single submitter. Criteria: Invitae Variant Classification Sherloc (09022015). Collection method: clinical testing. Allele origin: germline.
Comment: This sequence change replaces valine, which is neutral and non-polar, with methionine, which is neutral and non-polar, at codon 371 of the LMX1B protein (p.Val371Met). This variant is present in population databases (rs375881049, gnomAD 0.02%). This variant has not been reported in the literature in individuals affected with LMX1B-related conditions. ClinVar contains an entry for this variant (Variation ID: 1919449). An algorithm developed to predict the effect of missense changes on protein structure and function (PolyPhen-2) suggests that this variant is likely to be disruptive. In summary, the available evidence is currently insufficient to determine the role of this variant in disease. Therefore, it has been classified as a Variant of Uncertain Significance.

Fulgent Genetics
Classification: Uncertain significance for Nail-patella syndrome; Nail-patella-like renal disease. Last evaluated: 2024-01-03. Review status: criteria provided, single submitter. Criteria: ACMG Guidelines, 2015. Collection method: clinical testing. Allele origin: germline.